The following is an entry in ClinVar:

NM_002292.4(LAMB2):c.964G>T (p.Glu322Ter)

Gene: LAMB2 (laminin subunit beta 2; minus strand). Cytogenetic location: 3p21.31.
Variant type: single nucleotide variant.
Coding change: c.964G>T on transcript NM_002292.4 (MANE Select); coding-DNA position 964, G replaced by T.
Protein change: p.Glu322Ter; replaces glutamic acid 322 with a stop codon.
Molecular consequence: nonsense.
Genome position (GRCh38, 1-based): chr3:49,130,812, C>A on the plus strand (G>T on the coding strand, the complement: LAMB2 is on the minus strand). VCF-style: chr3-49130812-C-A. GRCh37 (hg19) VCF-style: chr3-49168245-C-A.
Other names: short protein forms E322*.
Identifiers: ClinVar variation 5006647 (VCV005006647.2).

ClinVar aggregate classification (germline): Likely pathogenic (1 of 4 stars; one submission).

Conditions:
LAMB2-related infantile-onset nephrotic syndrome. Also called: Nephrotic Syndrome, type 5; NEPHROTIC SYNDROME, TYPE 5, WITHOUT OCULAR ABNORMALITIES; NEPHROTIC SYNDROME, TYPE 5, WITH OCULAR ABNORMALITIES. Identifiers: Orphanet 306507, MedGen C3280113, MONDO:0013621, OMIM 614199.
Pierson syndrome. Also called: MICROCORIA-CONGENITAL NEPHROTIC SYNDROME. Identifiers: Orphanet 2670, MedGen C1836876, MONDO:0012184, OMIM 609049.

Submission:

Juno Genomics, Hangzhou Juno Genomics, Inc
Classification: Likely pathogenic for LAMB2-related infantile-onset nephrotic syndrome; Pierson syndrome. Review status: criteria provided, single submitter. Criteria: ACMG Guidelines, 2015. Collection method: clinical testing. Allele origin: germline.
Comment: Null variant in a gene where loss of function (LOF) is a known mechanism of disease.;Absent from controls (or at extremely low frequency if recessive) in Genome Aggregation Database.